The following is an entry in ClinVar:

NM_000369.5(TSHR):c.697G>A (p.Val233Met)

Genes: TSHR (thyroid stimulating hormone receptor; plus strand), TSHR-AS1 (TSHR antisense RNA 1; minus strand). Cytogenetic location: 14q31.1.
Variant type: single nucleotide variant.
Coding change: c.697G>A on transcript NM_000369.5 (MANE Select); coding-DNA position 697, G replaced by A.
Protein change: p.Val233Met; replaces valine 233 with methionine.
Molecular consequence: missense variant.
Genome position (GRCh38, 1-based): chr14:81,139,683, G>A. VCF-style: chr14-81139683-G-A. GRCh37 (hg19) VCF-style: chr14-81606027-G-A.
Other names: short protein forms V233M.
Identifiers: ClinVar variation 135402 (VCV000135402.2), dbSNP rs144127341, ClinGen allele CA162655.

ClinVar aggregate classification (germline): Uncertain significance. Review status: criteria provided, single submitter (1 of 4 stars). 2 submissions from 2 submitters: Uncertain significance (1). 1 of the submissions does not count toward it. Last evaluated 2023-03-14.

Allele frequency attached by ClinVar (database versions not stated): gnomAD exomes 0.00001 and 0.00003; ExAC 0.00003; TOPMed 0.00004; gnomAD 0.00009 and 0.00010; ESP Exome Variant Server 0.00023.
gnomAD v4.1: 33 of 1,613,946 alleles (0.002%); highest among the groups gnomAD compares: Admixed American, 0.02%; no homozygotes.

Submissions (2):

Blueprint Genetics
Classification: Uncertain significance. Last evaluated: 2023-03-14. Review status: criteria provided, single submitter. Criteria: ACMG Guidelines, 2015. Collection method: clinical testing. Allele origin: germline.

ITMI
No classification provided. Condition: AllHighlyPenetrant. Last evaluated: 2013-09-19. Review status: no classification provided. Collection method: reference population. Allele origin: germline. Not counted in ClinVar's aggregate classification.
Comment: Please see associated publication for description of ethnicities

Literature cited by the submitters: PubMed 24728327 (cited by ITMI).